The following is an entry in ClinVar:

NM_000824.5(GLRB):c.523A>C (p.Met175Leu)

Gene: GLRB (glycine receptor beta; plus strand). Cytogenetic location: 4q32.1.
Variant type: single nucleotide variant.
Coding change: c.523A>C on transcript NM_000824.5 (MANE Select); coding-DNA position 523, A replaced by C.
Protein change: p.Met175Leu; replaces methionine 175 with leucine.
Molecular consequence: missense variant.
Genome position (GRCh38, 1-based): chr4:157,136,694, A>C. VCF-style: chr4-157136694-A-C. GRCh37 (hg19) VCF-style: chr4-158057846-A-C.
Other names: c.523A>C, p.Met175Leu (NM_001166060.2, NM_001166061.2); c.523A>C (NM_000824.4); short protein forms M175L.
Identifiers: ClinVar variation 2168655 (VCV002168655.4), dbSNP rs1462035702, ClinGen allele CA358642773.

ClinVar aggregate classification (germline): Uncertain significance. Review status: criteria provided, multiple submitters, no conflicts (2 of 4 stars). 2 submissions from 2 submitters: Uncertain significance (2). Last evaluated 2025-08-22.

Conditions:
Inborn genetic diseases. Identifiers: MedGen C0950123, MeSH D030342.
Hyperekplexia 2 (HKPX2). Identifiers: Orphanet 3197, MedGen C3553291, MONDO:0013828, OMIM 614619.

Allele frequency attached by ClinVar (database versions not stated): TOPMed below 0.00001.

Submissions (2):

Ambry Genetics
Classification: Uncertain significance for Inborn genetic diseases. Last evaluated: 2025-08-22. Review status: criteria provided, single submitter. Criteria: Ambry Variant Classification Scheme 2023. Collection method: clinical testing. Allele origin: germline.

Labcorp Genetics (formerly Invitae), Labcorp
Classification: Uncertain significance for Hyperekplexia 2. Last evaluated: 2022-07-30. Review status: criteria provided, single submitter. Criteria: Invitae Variant Classification Sherloc (09022015). Collection method: clinical testing. Allele origin: germline.
Comment: In summary, the available evidence is currently insufficient to determine the role of this variant in disease. Therefore, it has been classified as a Variant of Uncertain Significance. Advanced modeling of protein sequence and biophysical properties (such as structural, functional, and spatial information, amino acid conservation, physicochemical variation, residue mobility, and thermodynamic stability) performed at Invitae indicates that this missense variant is not expected to disrupt GLRB protein function. This variant has not been reported in the literature in individuals affected with GLRB-related conditions. This variant is not present in population databases (gnomAD no frequency). This sequence change replaces methionine, which is neutral and non-polar, with leucine, which is neutral and non-polar, at codon 175 of the GLRB protein (p.Met175Leu).